The following is an entry in ClinVar:

NM_001041.4(SI):c.4705G>A (p.Ala1569Thr)

Gene: SI (sucrase-isomaltase; minus strand). Cytogenetic location: 3q26.1.
Variant type: single nucleotide variant.
Coding change: c.4705G>A on transcript NM_001041.4 (MANE Select); coding-DNA position 4705, G replaced by A.
Protein change: p.Ala1569Thr; replaces alanine 1569 with threonine.
Molecular consequence: missense variant.
Genome position (GRCh38, 1-based): chr3:164,994,393, C>T on the plus strand (G>A on the coding strand, the complement: SI is on the minus strand). VCF-style: chr3-164994393-C-T. GRCh37 (hg19) VCF-style: chr3-164712181-C-T.
Other names: short protein forms A1569T.
Identifiers: ClinVar variation 1489970 (VCV001489970.6), dbSNP rs369134336, ClinGen allele CA2689802.

ClinVar aggregate classification (germline): Uncertain significance. Review status: criteria provided, multiple submitters, no conflicts (2 of 4 stars). 2 submissions from 2 submitters: Uncertain significance (2). Last evaluated 2022-08-22.

Conditions:
Sucrase-isomaltase deficiency (CSID). Also called: Deficiency of isomaltase; SI DEFICIENCY; Congenital sucrose isomaltose malabsorption; Sucrose isomaltose enzyme deficiency. Identifiers: Orphanet 35122, MedGen C1283620, MONDO:0009114, OMIM 222900.

Allele frequency attached by ClinVar (database versions not stated): gnomAD exomes 0.00004; ExAC 0.00005; TOPMed 0.00007; ESP Exome Variant Server 0.00008.
gnomAD v4.1: 64 of 1,610,468 alleles (0.004%); highest among the groups gnomAD compares: Middle Eastern, 0.017%; no homozygotes.

Submissions (2):

Labcorp Genetics (formerly Invitae), Labcorp
Classification: Uncertain significance. Last evaluated: 2022-08-22. Review status: criteria provided, single submitter. Criteria: Invitae Variant Classification Sherloc (09022015). Collection method: clinical testing. Allele origin: germline.
Comment: This sequence change replaces alanine, which is neutral and non-polar, with threonine, which is neutral and polar, at codon 1569 of the SI protein (p.Ala1569Thr). This variant is present in population databases (rs369134336, gnomAD 0.02%). This variant has not been reported in the literature in individuals affected with SI-related conditions. ClinVar contains an entry for this variant (Variation ID: 1489970). Algorithms developed to predict the effect of missense changes on protein structure and function are either unavailable or do not agree on the potential impact of this missense change (SIFT: "Tolerated"; PolyPhen-2: "Possibly Damaging"; Align-GVGD: "Class C0"). In summary, the available evidence is currently insufficient to determine the role of this variant in disease. Therefore, it has been classified as a Variant of Uncertain Significance.

Fulgent Genetics
Classification: Uncertain significance for Sucrase-isomaltase deficiency. Last evaluated: 2022-02-24. Review status: criteria provided, single submitter. Criteria: ACMG Guidelines, 2015. Collection method: clinical testing. Allele origin: unknown.